The following is an entry in ClinVar:

NM_000368.5(TSC1):c.720T>C (p.His240=)

Gene: TSC1 (TSC complex subunit 1; minus strand). Cytogenetic location: 9q34.13.
Variant type: single nucleotide variant.
Coding change: c.720T>C on transcript NM_000368.5 (MANE Select); coding-DNA position 720, T replaced by C.
Protein change: p.His240=; no amino-acid change (histidine 240 retained).
Molecular consequence: synonymous variant. On other transcripts: 5 prime UTR variant (1), non-coding transcript variant (5), intron variant (4).
Genome position (GRCh38, 1-based): chr9:132,921,380, A>G on the plus strand (T>C on the coding strand, the complement: TSC1 is on the minus strand). VCF-style: chr9-132921380-A-G. GRCh37 (hg19) VCF-style: chr9-135796767-A-G.
Other names: c.720T>C, p.His240= (NM_001162426.2, NM_001406592.1, NM_001406593.1 and 16 more transcripts); c.567T>C, p.His189= (NM_001162427.2, NM_001406610.1, NM_001406611.1 and 2 more transcripts); c.357T>C, p.His119= (NM_001362177.2, NM_001406614.1, NM_001406615.1 and 10 more transcripts); c.-374T>C (NM_001406630.1); c.-215+439T>C (NM_001406627.1, NM_001406628.1, NM_001406626.1); c.-357+439T>C (NM_001406629.1).
Identifiers: ClinVar variation 1916000 (VCV001916000.7), dbSNP rs779872953, ClinGen allele CA467593727.
Genomic context (GRCh38, chr9:132,921,380, plus strand): 5'-TCTCTCGAAAGATTCTTTAAAATTTTGACACTAGTTTCTATACCTTCGAGGGTCCAGTTC[A>G]TGGTCCTTGGATCCAGTCACTAATTCCGGATGAATTCGCACATGCTCCATCATTGGCTAG-3'
Protein context (NP_000359.1, residues 230-250): HPELVTGSKD[His240=]ELDPRRWKRL

ClinVar aggregate classification (germline): Benign/Likely benign. Review status: criteria provided, multiple submitters, no conflicts (2 of 4 stars). 3 submissions from 3 submitters: Benign (1); Likely benign (2). Last evaluated 2026-05-14.

Conditions:
Hereditary cancer-predisposing syndrome. Also called: Neoplastic Syndromes, Hereditary; Tumor predisposition; Hereditary Cancer Syndrome; Hereditary neoplastic syndrome. Identifiers: Orphanet 140162, MedGen C0027672, MeSH D009386, MONDO:0015356.
Tuberous sclerosis 1 (TSC1). Identifiers: Orphanet 805, MedGen C1854465, MONDO:0008612, OMIM 191100.

gnomAD v4.1: 2 of 1,614,186 alleles (0.00012%); highest among the groups gnomAD compares: Non-Finnish European, 0.00017%; no homozygotes.

Submissions (3):

Ambry Genetics
Classification: Likely benign for Hereditary cancer-predisposing syndrome. Last evaluated: 2026-05-14. Review status: criteria provided, single submitter. Criteria: Ambry Variant Classification Scheme 2023. Collection method: clinical testing. Allele origin: germline.

Myriad Genetics, Inc.
Classification: Benign for Tuberous sclerosis 1. Last evaluated: 2025-04-08. Review status: criteria provided, single submitter. Criteria: Myriad Autosomal Dominant, Autosomal Recessive and X-Linked Classification Criteria (2023). Collection method: clinical testing. Allele origin: unknown.
Comment: This variant is considered benign. This variant is a silent/synonymous amino acid change and it is not expected to impact splicing.

Labcorp Genetics (formerly Invitae), Labcorp
Classification: Likely benign for Tuberous sclerosis 1. Last evaluated: 2024-04-29. Review status: criteria provided, single submitter. Criteria: Invitae Variant Classification Sherloc (09022015). Collection method: clinical testing. Allele origin: germline.